The following is an entry in ClinVar:

ClinVar aggregate classification (germline): Likely benign. Review status: criteria provided, multiple submitters, no conflicts (2 of 4 stars). 3 submissions from 3 submitters: Likely benign (3). Last evaluated 2025-12-28.

Conditions:
Developmental and epileptic encephalopathy, 53. Also called: Epileptic encephalopathy, early infantile, 53. Identifiers: MedGen C4479313, MONDO:0033362, OMIM 617389.
Early-onset Parkinson disease 20. Also called: PARKINSON DISEASE 20, AUTOSOMAL RECESSIVE EARLY-ONSET. Identifiers: Orphanet 391411, MedGen C3809824, MONDO:0014233, OMIM 615530.

Allele frequency attached by ClinVar (database versions not stated): gnomAD 0.00001; gnomAD exomes 0.00001 and 0.00002; TOPMed 0.00004; ExAC 0.00005.
gnomAD v4.1: 36 of 1,613,446 alleles (0.0022%); highest among the groups gnomAD compares: East Asian, 0.016%; no homozygotes.

Submissions (3):

Labcorp Genetics (formerly Invitae), Labcorp
Classification: Likely benign for Developmental and epileptic encephalopathy, 53; Early-onset Parkinson disease 20. Last evaluated: 2025-12-28. Review status: criteria provided, single submitter. Criteria: Invitae Variant Classification Sherloc (09022015). Collection method: clinical testing. Allele origin: germline.

Mayo Clinic Laboratories, Mayo Clinic
Classification: Likely benign. Last evaluated: 2025-12-14. Review status: criteria provided, single submitter. Criteria: ACMG Guidelines, 2015. Collection method: clinical testing. Allele origin: germline. Observed: 1 variant allele.
Comment: BP4, BP7

Blueprint Genetics
Classification: Likely benign. Last evaluated: 2024-10-14. Review status: criteria provided, single submitter. Criteria: ACMG Guidelines, 2015. Collection method: clinical testing. Allele origin: germline.

NM_203446.3(SYNJ1):c.843T>C (p.Ala281=)

Gene: SYNJ1 (synaptojanin 1; minus strand). Cytogenetic location: 21q22.11.
Variant type: single nucleotide variant.
Coding change: c.843T>C on transcript NM_203446.3 (MANE Select); coding-DNA position 843, T replaced by C.
Protein change: p.Ala281=; no amino-acid change (alanine 281 retained).
Molecular consequence: synonymous variant.
Genome position (GRCh38, 1-based): chr21:32,688,314, A>G on the plus strand (T>C on the coding strand, the complement: SYNJ1 is on the minus strand). VCF-style: chr21-32688314-A-G. GRCh37 (hg19) VCF-style: chr21-34060624-A-G.
Other names: p.Ala320=; c.843T>C, p.Ala281= (NM_001160302.2, NM_001160306.2); c.960T>C, p.Ala320= (NM_003895.4).
Identifiers: ClinVar variation 478369 (VCV000478369.14), dbSNP rs372016074, ClinGen allele CA10004029.
Genomic context (GRCh38, chr21:32,688,314, plus strand): 5'-CCCACTGCTTAGCAATATCAAAACTTAAAGCACTATGTAAAAATTGTCTTACCTGTCAAA[A>G]GCAGGTGCATTGGCTTCAAATCCCCTTGACATACGGACACGATGAGATCCCACCTTAGAC-3'
Protein context (NP_982271.3, residues 271-291): MSRGFEANAP[Ala281=]FDRHFRTLKN